The following is an entry in ClinVar:

NM_003659.4(AGPS):c.64_65delinsAG (p.Ala22Arg)

Genes: AGPS (alkylglycerone phosphate synthase; plus strand), LOC129935172 (ATAC-STARR-seq lymphoblastoid silent region 12147; plus strand). Cytogenetic location: 2q31.2.
Variant type: Indel.
Coding change: c.64_65delinsAG on transcript NM_003659.4 (MANE Select); coding-DNA positions 64 to 65, GC replaced by AG.
Protein change: p.Ala22Arg; replaces alanine 22 with arginine.
Molecular consequence: missense variant.
Genome position (GRCh38, 1-based): chr2:177,392,853-177,392,854, GC replaced by AG. VCF-style: chr2-177392853-GC-AG. GRCh37 (hg19) VCF-style: chr2-178257581-GC-AG.
Other names: c.64_65delGCinsAG (NM_003659.3); c.64_65delinsAG (NM_003659.3); short protein forms A22R.
Identifiers: ClinVar variation 2085198 (VCV002085198.4), dbSNP rs2468486611, ClinGen allele CA2580064550.

ClinVar aggregate classification (germline): Uncertain significance. Review status: criteria provided, multiple submitters, no conflicts (2 of 4 stars). 4 submissions from 4 submitters: Uncertain significance (4). Last evaluated 2025-06-17.

Conditions:
AGPS-related disorder. Also called: AGPS-related condition.
Inborn genetic diseases. Identifiers: MedGen C0950123, MeSH D030342.

Submissions (4):

PreventionGenetics, part of Exact Sciences
Classification: Uncertain significance for AGPS-related condition. Last evaluated: 2025-06-17. Review status: criteria provided, single submitter. Criteria: ACMG Guidelines, 2015. Collection method: clinical testing. Allele origin: germline.
Comment: The AGPS c.64_65delinsAG variant is predicted to result in an in-frame deletion and insertion. To our knowledge, this variant has not been reported in the literature or in a large population database (gnomAD), indicating this variant is rare. At this time, the clinical significance of this variant is uncertain due to the absence of conclusive functional and genetic evidence.

Labcorp Genetics (formerly Invitae), Labcorp
Classification: Uncertain significance. Last evaluated: 2022-06-20. Review status: criteria provided, single submitter. Criteria: Invitae Variant Classification Sherloc (09022015). Collection method: clinical testing. Allele origin: germline.
Comment: This sequence change replaces alanine with arginine at codon 22 of the AGPS protein (p.Ala22Arg). The alanine residue is weakly conserved and there is a moderate physicochemical difference between alanine and arginine. This variant is present in population databases (no rsID available, gnomAD 4%), including at least one homozygous and/or hemizygous individual. This variant has not been reported in the literature in individuals affected with AGPS-related conditions. Experimental studies and prediction algorithms are not available or were not evaluated, and the functional significance of this variant is currently unknown. In summary, the available evidence is currently insufficient to determine the role of this variant in disease. Therefore, it has been classified as a Variant of Uncertain Significance.

Ambry Genetics
Classification: Uncertain significance for Inborn genetic diseases. Last evaluated: 2022-05-26. Review status: criteria provided, single submitter. Criteria: Ambry Variant Classification Scheme 2023. Collection method: clinical testing. Allele origin: germline.
Comment: The c.64_65delGCinsAG (p.A22R) alteration, located in exon 1 (coding exon 1) of the AGPS gene, consists of an in-frame substitution of 2 nucleotides from position 64 to 65, resulting in the insertion of <NA> residues. Based on insufficient or conflicting evidence, the clinical significance of this alteration remains unclear.

Blueprint Genetics
Classification: Uncertain significance. Last evaluated: 2022-02-21. Review status: criteria provided, single submitter. Criteria: ACMG Guidelines, 2015. Collection method: clinical testing. Allele origin: germline.